The following is an entry in ClinVar:

NM_052844.4(DYNC2I2):c.877G>T (p.Gly293Trp)

Genes: DYNC2I2 (dynein 2 intermediate chain 2; minus strand), LOC126860772 (CDK7 strongly-dependent group 2 enhancer GRCh37_chr9:131396972-131398171; plus strand). Cytogenetic location: 9q34.11.
Variant type: single nucleotide variant.
Coding change: c.877G>T on transcript NM_052844.4 (MANE Select); coding-DNA position 877, G replaced by T.
Protein change: p.Gly293Trp; replaces glycine 293 with tryptophan.
Molecular consequence: missense variant.
Genome position (GRCh38, 1-based): chr9:128,635,196, C>A on the plus strand (G>T on the coding strand, the complement: DYNC2I2 is on the minus strand). VCF-style: chr9-128635196-C-A. GRCh37 (hg19) VCF-style: chr9-131397475-C-A.
Other names: short protein forms G293W.
Identifiers: ClinVar variation 2630985 (VCV002630985.1), dbSNP rs758829326, ClinGen allele CA375115806.

ClinVar aggregate classification (germline): Uncertain significance (1 of 4 stars; one submission).

Conditions:
DYNC2I2-related disorder. Also called: DYNC2I2-related condition.

Submission:

PreventionGenetics, part of Exact Sciences
Classification: Uncertain significance for DYNC2I2-related condition. Last evaluated: 2023-09-10. Review status: criteria provided, single submitter. Criteria: ACMG Guidelines, 2015. Collection method: clinical testing. Allele origin: germline.
Comment: The DYNC2I2 c.877G>T variant is predicted to result in the amino acid substitution p.Gly293Trp. To our knowledge, this variant has not been reported in the literature or in a large population database, indicating this variant is rare. At this time, the clinical significance of this variant is uncertain due to the absence of conclusive functional and genetic evidence.